The following is an entry in ClinVar:

NM_000348.4(SRD5A2):c.377A>G (p.Gln126Arg)

Gene: SRD5A2 (steroid 5 alpha-reductase 2; minus strand). Cytogenetic location: 2p23.1.
Variant type: single nucleotide variant.
Coding change: c.377A>G on transcript NM_000348.4 (MANE Select); coding-DNA position 377, A replaced by G.
Protein change: p.Gln126Arg; replaces glutamine 126 with arginine.
Molecular consequence: missense variant.
Genome position (GRCh38, 1-based): chr2:31,533,671, T>C on the plus strand (A>G on the coding strand, the complement: SRD5A2 is on the minus strand). VCF-style: chr2-31533671-T-C. GRCh37 (hg19) VCF-style: chr2-31758741-T-C.
Other names: short protein forms Q126R.
Identifiers: ClinVar variation 372519 (VCV000372519.20), dbSNP rs368386747, ClinGen allele CA1599952.
Genomic context (GRCh38, chr2:31,533,671, plus strand): 5'-AACCGTATGTCTGTGTACCACCCATCAGGGTATTCAGCACAGTAAATCAGATAGTAGCCT[T>C]GAAGGACTCCATTTCCAGTGCAGAAGGCAGTGCCTCTGAGAATGAGTATAGCTGGATAAG-3'
Protein context (NP_000339.2, residues 116-136): TAFCTGNGVL[Gln126Arg]GYYLIYCAEY

ClinVar aggregate classification (germline): Pathogenic. Review status: criteria provided, multiple submitters, no conflicts (2 of 4 stars). 8 submissions from 8 submitters: Pathogenic (6). 2 of the submissions do not count toward it. Last evaluated 2026-07-21.

Conditions:
3-Oxo-5 alpha-steroid delta 4-dehydrogenase deficiency (PPSH). Also called: FAMILIAL INCOMPLETE MALE PSEUDOHERMAPHRODITISM, TYPE 2; MALE PSEUDOHERMAPHRODITISM DUE TO 5-ALPHA-REDUCTASE DEFICIENCY; 46,XY disorder of sex development due to 5-alpha-reductase 2 deficiency; PSEUDOVAGINAL PERINEOSCROTAL HYPOSPADIAS. Identifiers: Orphanet 753, MedGen C0268297, MONDO:0009923, OMIM 264600. Disease mechanism: loss of function.

Allele frequency attached by ClinVar (database versions not stated): TOPMed 0.00011; gnomAD exomes 0.00008 and 0.00013; gnomAD 0.00009; ESP Exome Variant Server 0.00016; ExAC 0.00017.
gnomAD v4.1: 194 of 1,571,052 alleles (0.012%); highest among the groups gnomAD compares: Non-Finnish European, 0.016%; no homozygotes.

Submissions (8):

Victorian Clinical Genetics Services, Murdoch Childrens Research Institute
Classification: Pathogenic for 3-Oxo-5 alpha-steroid delta 4-dehydrogenase deficiency. Last evaluated: 2026-07-21. Review status: criteria provided, single submitter. Criteria: ACMG Guidelines, 2015. Collection method: clinical testing. Allele origin: germline. Affected: yes.
Comment: This variant is classified as Pathogenic. Evidence in support of pathogenic classification: This variant is present in gnomAD <0.01 for a recessive condition (v4: 194 heterozygote(s), 0 homozygote(s)); This variant has very strong previous evidence of pathogenicity in unrelated individuals. It has been classified as likely pathogenic and pathogenic by clinical laboratories in ClinVar. In addition, it has been reported in the literature in homozygous and compound heterozygous individuals with differences of sex development (PMID: 36606580). Additional information: This variant is predicted to result in a missense amino acid change from Gln to Arg; This variant is heterozygous; This gene is associated with autosomal recessive disease; Variant is located in the annotated steroid dehydrogenase domain (DECIPHER); Loss of function is a known mechanism of disease in this gene and is associated with 46,XY disorder of sex development due to 5-alpha-reductase 2 deficiency (MONDO:0009923); Inheritance information for this variant is not currently available in this individual.

Labcorp Genetics (formerly Invitae), Labcorp
Classification: Pathogenic for 3-Oxo-5 alpha-steroid delta 4-dehydrogenase deficiency. Last evaluated: 2026-01-24. Review status: criteria provided, single submitter. Criteria: Invitae Variant Classification Sherloc (09022015). Collection method: clinical testing. Allele origin: germline.
Comment: This sequence change replaces glutamine, which is neutral and polar, with arginine, which is basic and polar, at codon 126 of the SRD5A2 protein (p.Gln126Arg). This variant is present in population databases (rs368386747, gnomAD 0.02%). This missense change has been observed in individuals with disorders of sex development (PMID: 1522235, 8262007, 15770495, 21631525, 22272144, 27070133). It has also been observed to segregate with disease in related individuals. ClinVar contains an entry for this variant (Variation ID: 372519). Invitae Evidence Modeling of protein sequence and biophysical properties (such as structural, functional, and spatial information, amino acid conservation, physicochemical variation, residue mobility, and thermodynamic stability) indicates that this missense variant is expected to disrupt SRD5A2 protein function with a positive predictive value of 80%. Experimental studies have shown that this missense change affects SRD5A2 function (PMID: 8110760). For these reasons, this variant has been classified as Pathogenic.

Fulgent Genetics
Classification: Pathogenic for 3-Oxo-5 alpha-steroid delta 4-dehydrogenase deficiency. Last evaluated: 2024-03-19. Review status: criteria provided, single submitter. Criteria: ACMG Guidelines, 2015. Collection method: clinical testing. Allele origin: germline.

Clinical Biochemistry Laboratory, Health Services Laboratory
Classification: Pathogenic for 3-Oxo-5 alpha-steroid delta 4-dehydrogenase deficiency. Last evaluated: 2023-11-20. Review status: criteria provided, single submitter. Criteria: ACMG Guidelines, 2015. Collection method: clinical testing. Allele origin: germline. Affected: yes.
Comment: ACMG:PS5 PM2 PM3 PP4 PP5

Institute for Genomic Medicine (IGM) Clinical Laboratory, Nationwide Children's Hospital
Classification: Pathogenic for 3-Oxo-5 alpha-steroid delta 4-dehydrogenase deficiency. Last evaluated: 2018-07-06. Review status: criteria provided, single submitter. Criteria: ACMG Guidelines, 2015. Collection method: clinical testing. Allele origin: germline. Affected: yes.
Comment: [ACMG/AMP: PS3, PM2, PM3, PS4_Moderate, PP1, PP5] This alteration is supported by well-established in vitro or in vivo functional studies to have a damaging effect on protein function or splicing [PS3], is absent from or rarely observed in large-scale population databases [PM2], is detected in trans with a known pathogenic variant [PM3], has previously been observed in multiple unrelated patients with the same phenotype [PS4_Moderate], has been shown to cosegregate with disease in multiple affected family members [PP1], was reported as a pathogenic/likely pathogenic alteration by a reputable source (ClinVar or other correspondence from a clinical testing laboratory) [PP5].

GeneDx
Classification: Pathogenic. Last evaluated: 2016-03-18. Review status: criteria provided, single submitter. Criteria: GeneDx Variant Classification (06012015). Collection method: clinical testing. Allele origin: germline. Affected: yes.
Comment: The Q126R missense change has been been reported in multiple individuals with 5-alpha reductase deficiency (Thigpen et al., 2002; Maimoun et al., 2011; Thigpen et al., 1992; Hackel et al., 2005). Additionally, functional studies indicate that Q126R abolishes the enzyme function of the steroid 5-alpha reductase enzyme to bind to testosterone (Wigley et al., 1994). Therefore, we interpret Q126R as a pathogenic variant.

Clinical Molecular Genetics Laboratory, Johns Hopkins All Children's Hospital
Classification: Pathogenic for 3-Oxo-5 alpha-steroid delta 4-dehydrogenase deficiency. Last evaluated: 2011-05-23. Review status: no assertion criteria provided. Collection method: clinical testing. Allele origin: germline. Affected: yes. Not counted in ClinVar's aggregate classification.

Genomics England Pilot Project, Genomics England
Classification: Likely pathogenic for 3-Oxo-5 alpha-steroid delta 4-dehydrogenase deficiency. Review status: no assertion criteria provided. Criteria: ACGS Guidelines, 2016. Collection method: clinical testing. Allele origin: germline. Affected: yes. Not counted in ClinVar's aggregate classification.

Literature cited by the submitters: PubMed 36606580 (cited by Victorian Clinical Genetics Services, Murdoch Childrens Research Institute); PubMed 1522235 (cited by Labcorp Genetics (formerly Invitae), Labcorp); PubMed 8262007 (cited by Labcorp Genetics (formerly Invitae), Labcorp); PubMed 15770495 (cited by Labcorp Genetics (formerly Invitae), Labcorp); PubMed 21631525 (cited by Labcorp Genetics (formerly Invitae), Labcorp); PubMed 22272144 (cited by Labcorp Genetics (formerly Invitae), Labcorp); PubMed 27070133 (cited by Labcorp Genetics (formerly Invitae), Labcorp); PubMed 8110760 (cited by Labcorp Genetics (formerly Invitae), Labcorp); PubMed 21402750 (cited by Clinical Biochemistry Laboratory, Health Services Laboratory).